The following is an entry in ClinVar:

ClinVar aggregate classification (germline): Pathogenic (1 of 4 stars; one submission).

Conditions:
Neurofibromatosis, type 2 (SWNV). Also called: BILATERAL ACOUSTIC NEUROFIBROMATOSIS; NF2-Related Schwannomatosis; SCHWANNOMATOSIS, VESTIBULAR. Identifiers: Orphanet 637, MedGen C0027832, MONDO:0007039, OMIM 101000. Disease mechanism: loss of function.

Submission:

Labcorp Genetics (formerly Invitae), Labcorp
Classification: Pathogenic for Neurofibromatosis, type 2. Last evaluated: 2025-04-29. Review status: criteria provided, single submitter. Criteria: Invitae Variant Classification Sherloc (09022015). Collection method: clinical testing. Allele origin: germline.
Comment: This sequence change affects an acceptor splice site in intron 12 of the NF2 gene. It is expected to disrupt RNA splicing. Variants that disrupt the donor or acceptor splice site typically lead to a loss of protein function (PMID: 16199547), and loss-of-function variants in NF2 are known to be pathogenic (PMID: 9643284, 16983642). This variant is not present in population databases (gnomAD no frequency). Disruption of this splice site has been observed in individual(s) with neurofibromatosis type 2 (PMID: 33067351). In at least one individual the variant was observed to be de novo. Algorithms developed to predict the effect of sequence changes on RNA splicing suggest that this variant may disrupt the consensus splice site. For these reasons, this variant has been classified as Pathogenic.

Literature cited by the submitters: PubMed 16199547; PubMed 9643284; PubMed 16983642; PubMed 33067351.

NM_000268.4(NF2):c.1341-2A>G

Gene: NF2 (NF2, moesin-ezrin-radixin like (MERLIN) tumor suppressor; plus strand). Cytogenetic location: 22q12.2.
Variant type: single nucleotide variant.
Coding change: c.1341-2A>G on transcript NM_000268.4 (MANE Select); the canonical splice acceptor site of the intron before coding-DNA position 1341, A replaced by G.
Molecular consequence: splice acceptor variant. On other transcripts: intron variant (1).
Genome position (GRCh38, 1-based): chr22:29,674,834, A>G. VCF-style: chr22-29674834-A-G. GRCh37 (hg19) VCF-style: chr22-30070823-A-G.
Other names: c.1341-2A>G (NM_016418.5, NM_181832.3, NM_001407060.1 and 2 more transcripts); c.1227-2A>G (NM_001407056.1, NM_001407053.1); c.1110-2A>G (NM_001407067.1); c.807-2A>G (NM_001407065.1); c.1206-2A>G (NM_001407059.1, NM_001407057.1); c.448-19918A>G (NM_181833.3); c.1218-2A>G (NM_001407058.1, NM_181829.3, NM_001407054.1); c.1083-2A>G (NM_001407062.1); and 2 more.
Identifiers: ClinVar variation 4710846 (VCV004710846.1).